The following is an entry in ClinVar:

NM_000465.4(BARD1):c.326G>A (p.Ser109Asn)

Gene: BARD1 (BRCA1 associated RING domain 1; minus strand). Cytogenetic location: 2q35.
Variant type: single nucleotide variant.
Coding change: c.326G>A on transcript NM_000465.4 (MANE Select); coding-DNA position 326, G replaced by A.
Protein change: p.Ser109Asn; replaces serine 109 with asparagine.
Molecular consequence: missense variant. On other transcripts: non-coding transcript variant (1), intron variant (2).
Genome position (GRCh38, 1-based): chr2:214,792,335, C>T on the plus strand (G>A on the coding strand, the complement: BARD1 is on the minus strand). VCF-style: chr2-214792335-C-T. GRCh37 (hg19) VCF-style: chr2-215657059-C-T.
Other names: c.269G>A, p.Ser90Asn (NM_001282543.2); c.326G>A, p.Ser109Asn (NM_001282549.2); c.158+17077G>A (NM_001282548.2); c.215+4726G>A (NM_001282545.2); short protein forms S109N, S90N.
Identifiers: ClinVar variation 942463 (VCV000942463.10), dbSNP rs1695556373, ClinGen allele CA350460879.
Genomic context (GRCh38, chr2:214,792,335, plus strand): 5'-GAGAGATAGGGATAGTTCTTACCTGACAGCTCATTGTCATGTAGCAAATTTCGAAGCTTA[C>T]TACAAAGTTGAATCATGCTGTCCAGTTGTCTATTTATCTTCAAGTCTTGTATCCAGGCCG-3'
Protein context (NP_000456.2, residues 99-119): RQLDSMIQLC[Ser109Asn]KLRNLLHDNE

ClinVar aggregate classification (germline): Uncertain significance (1 of 4 stars; one submission).

Conditions:
Familial cancer of breast. Also called: hereditary breast carcinoma; BREAST CANCER, FAMILIAL; Hereditary breast cancer. Identifiers: Orphanet 227535, MedGen C0346153, MONDO:0016419, OMIM 114480. Disease mechanism: loss of function.

gnomAD v4.1: 1 of 1,613,190 alleles (0.000062%); highest among the groups gnomAD compares: Non-Finnish European, 0.000085%; no homozygotes.

Submission:

Labcorp Genetics (formerly Invitae), Labcorp
Classification: Uncertain significance for Familial cancer of breast. Last evaluated: 2024-09-23. Review status: criteria provided, single submitter. Criteria: Invitae Variant Classification Sherloc (09022015). Collection method: clinical testing. Allele origin: germline.
Comment: This sequence change replaces serine, which is neutral and polar, with asparagine, which is neutral and polar, at codon 109 of the BARD1 protein (p.Ser109Asn). This variant is not present in population databases (gnomAD no frequency). This variant has not been reported in the literature in individuals affected with BARD1-related conditions. ClinVar contains an entry for this variant (Variation ID: 942463). An algorithm developed to predict the effect of missense changes on protein structure and function outputs the following: PolyPhen-2: "Benign". The asparagine amino acid residue is found in multiple mammalian species, which suggests that this missense change does not adversely affect protein function. In summary, the available evidence is currently insufficient to determine the role of this variant in disease. Therefore, it has been classified as a Variant of Uncertain Significance.